The following is an entry in ClinVar:

NM_006939.4(SOS2):c.2540T>G (p.Val847Gly)

Gene: SOS2 (SOS Ras/Rho guanine nucleotide exchange factor 2; minus strand). Cytogenetic location: 14q21.3.
Variant type: single nucleotide variant.
Coding change: c.2540T>G on transcript NM_006939.4 (MANE Select); coding-DNA position 2540, T replaced by G.
Protein change: p.Val847Gly; replaces valine 847 with glycine.
Molecular consequence: missense variant.
Genome position (GRCh38, 1-based): chr14:50,145,297, A>C on the plus strand (T>G on the coding strand, the complement: SOS2 is on the minus strand). VCF-style: chr14-50145297-A-C. GRCh37 (hg19) VCF-style: chr14-50612015-A-C.
Other names: short protein forms V847G.
Identifiers: ClinVar variation 1676785 (VCV001676785.2), dbSNP rs2139576871, ClinGen allele CA389643155.

ClinVar aggregate classification (germline): Uncertain significance (1 of 4 stars; one submission).

Conditions:
Noonan syndrome 9 (NS9). Identifiers: Orphanet 648, MedGen C4225282, MONDO:0014691, OMIM 616559.

Submission:

Centre of Medical Genetics, University Hospital Muenster
Classification: Uncertain significance for Noonan syndrome 9. Last evaluated: 2022-03-29. Review status: criteria provided, single submitter. Criteria: ACMG Guidelines, 2015. Collection method: clinical testing. Allele origin: germline. Affected: yes. Observed: 1 variant allele, 1 heterozygote.
Comment: ACMG categories: PM1,PM2,PP3